The following is an entry in ClinVar:

ClinVar aggregate classification (germline): Pathogenic. Review status: criteria provided, multiple submitters, no conflicts (2 of 4 stars). 4 submissions from 4 submitters: Pathogenic (4). Last evaluated 2025-01-08.

Conditions:
Leber congenital amaurosis (LCA). Also called: Leber's amaurosis. Identifiers: Orphanet 65, MedGen C0339527, MeSH D057130, MONDO:0018998.
Leber congenital amaurosis 13 (LCA13). Identifiers: MedGen C2675186, MONDO:0012990, OMIM 612712.

Allele frequency attached by ClinVar (database versions not stated): gnomAD exomes below 0.00001; ExAC 0.00001.
gnomAD v4.1: 1 of 1,614,148 alleles (0.000062%); highest among the groups gnomAD compares: East Asian, 0.0022%; no homozygotes.

Submissions (4):

Women's Health and Genetics/Laboratory Corporation of America, LabCorp
Classification: Pathogenic for Leber congenital amaurosis. Last evaluated: 2025-01-08. Review status: criteria provided, single submitter. Criteria: LabCorp Variant Classification Summary - May 2015. Collection method: clinical testing. Allele origin: germline.
Comment: Variant summary: RDH12 c.226G>A (p.Gly76Arg) results in a non-conservative amino acid change in the encoded protein sequence. Five of five in-silico tools predict a damaging effect of the variant on protein function. The variant allele was found at a frequency of 4e-06 in 251494 control chromosomes. c.226G>A has been reported in the literature in compound heterozygous individuals affected with Leber Congenital Amaurosis or Retinitis Pigmentosa (e.g. Wang_2022, Fu_2013, Xu_2020). These data indicate that the variant may be associated with disease. A different variant resulting in the same amino acid consequence has been classified as pathogenic by our lab (c.226G>C), supporting the pathogenicity of this variant. To our knowledge, no experimental evidence demonstrating an impact on protein function has been reported. The following publications have been ascertained in the context of this evaluation (PMID: 23661369, 35994252, 31630094). ClinVar contains an entry for this variant (Variation ID: 986946). Based on the evidence outlined above, the variant was classified as pathogenic.

Genomic Medicine Center of Excellence, King Faisal Specialist Hospital and Research Centre
Classification: Pathogenic for Leber congenital amaurosis 13. Last evaluated: 2024-03-29. Review status: criteria provided, single submitter. Criteria: ACMG Guidelines, 2015. Collection method: clinical testing. Allele origin: germline.

Labcorp Genetics (formerly Invitae), Labcorp
Classification: Pathogenic for Leber congenital amaurosis 13. Last evaluated: 2023-10-22. Review status: criteria provided, single submitter. Criteria: Invitae Variant Classification Sherloc (09022015). Collection method: clinical testing. Allele origin: germline.
Comment: This sequence change replaces glycine, which is neutral and non-polar, with arginine, which is basic and polar, at codon 76 of the RDH12 protein (p.Gly76Arg). This variant is present in population databases (rs368489658, gnomAD 0.0009%). This missense change has been observed in individuals with autosomal recessive RDH12-related conditions (PMID: 19956407, 26047050, 30134391, 30372751). ClinVar contains an entry for this variant (Variation ID: 986946). Advanced modeling of protein sequence and biophysical properties (such as structural, functional, and spatial information, amino acid conservation, physicochemical variation, residue mobility, and thermodynamic stability) performed at Invitae indicates that this missense variant is expected to disrupt RDH12 protein function. This variant disrupts the p.Gly76 amino acid residue in RDH12. Other variant(s) that disrupt this residue have been determined to be pathogenic (PMID: 19956407, 30372751). This suggests that this residue is clinically significant, and that variants that disrupt this residue are likely to be disease-causing. For these reasons, this variant has been classified as Pathogenic.

Institute of Medical Genetics and Applied Genomics, University Hospital Tübingen
Classification: Pathogenic. Last evaluated: 2020-10-23. Review status: criteria provided, single submitter. Criteria: ACMG Guidelines, 2015. Collection method: clinical testing. Allele origin: germline. Inheritance: Autosomal recessive inheritance. Affected: yes.

Literature cited by the submitters: PubMed 31630094 (cited by Women's Health and Genetics/Laboratory Corporation of America, LabCorp); PubMed 23661369 (cited by Women's Health and Genetics/Laboratory Corporation of America, LabCorp); PubMed 35994252 (cited by Women's Health and Genetics/Laboratory Corporation of America, LabCorp); PubMed 19956407 (cited by Labcorp Genetics (formerly Invitae), Labcorp); PubMed 26047050 (cited by Labcorp Genetics (formerly Invitae), Labcorp); PubMed 30134391 (cited by Labcorp Genetics (formerly Invitae), Labcorp); PubMed 30372751 (cited by Labcorp Genetics (formerly Invitae), Labcorp).

NM_152443.3(RDH12):c.226G>A (p.Gly76Arg)

Genes: GPHN (gephyrin; plus strand), RDH12 (retinol dehydrogenase 12; plus strand). Cytogenetic location: 14q24.1.
Variant type: single nucleotide variant.
Coding change: c.226G>A on transcript NM_152443.3 (MANE Select); coding-DNA position 226, G replaced by A.
Protein change: p.Gly76Arg; replaces glycine 76 with arginine.
Molecular consequence: missense variant.
Genome position (GRCh38, 1-based): chr14:67,725,137, G>A. VCF-style: chr14-67725137-G-A. GRCh37 (hg19) VCF-style: chr14-68191854-G-A.
Other names: short protein forms G76R.
Identifiers: ClinVar variation 986946 (VCV000986946.14), dbSNP rs368489658, ClinGen allele CA7238647.